The following is an entry in ClinVar:

NM_004656.4(BAP1):c.1922C>A (p.Ala641Asp)

Gene: BAP1 (BRCA1 associated deubiquitinase 1; minus strand). Cytogenetic location: 3p21.1.
Variant type: single nucleotide variant.
Coding change: c.1922C>A on transcript NM_004656.4 (MANE Select); coding-DNA position 1922, C replaced by A.
Protein change: p.Ala641Asp; replaces alanine 641 with aspartic acid.
Molecular consequence: missense variant.
Genome position (GRCh38, 1-based): chr3:52,402,840, G>T on the plus strand (C>A on the coding strand, the complement: BAP1 is on the minus strand). VCF-style: chr3-52402840-G-T. GRCh37 (hg19) VCF-style: chr3-52436856-G-T.
Other names: short protein forms A641D.
Identifiers: ClinVar variation 566715 (VCV000566715.7), dbSNP rs1559585421, ClinGen allele CA353096765.

ClinVar aggregate classification (germline): Uncertain significance. Review status: criteria provided, multiple submitters, no conflicts (2 of 4 stars). 2 submissions from 2 submitters: Uncertain significance (2). Last evaluated 2024-02-23.

Conditions:
BAP1-related tumor predisposition syndrome (TPDS1). Also called: TUMOR PREDISPOSITION SYNDROME 1; Tumor susceptibility linked to germline BAP1 mutations; COMMON Syndrome; BAP1 tumor predisposition syndrome. Identifiers: Orphanet 289539, MedGen C3280492, MONDO:0013692, OMIM 614327.

Allele frequency attached by ClinVar (database versions not stated): TOPMed below 0.00001.

Submissions (2):

Baylor Genetics
Classification: Uncertain significance for BAP1-related tumor predisposition syndrome. Last evaluated: 2024-02-23. Review status: criteria provided, single submitter. Criteria: ACMG Guidelines, 2015. Collection method: clinical testing. Allele origin: unknown.

Labcorp Genetics (formerly Invitae), Labcorp
Classification: Uncertain significance for BAP1-related tumor predisposition syndrome. Last evaluated: 2018-06-23. Review status: criteria provided, single submitter. Criteria: Invitae Variant Classification Sherloc (09022015). Collection method: clinical testing. Allele origin: germline.
Comment: In summary, the available evidence is currently insufficient to determine the role of this variant in disease. Therefore, it has been classified as a Variant of Uncertain Significance. Algorithms developed to predict the effect of missense changes on protein structure and function are either unavailable or do not agree on the potential impact of this missense change (SIFT: "Tolerated"; PolyPhen-2: "Probably Damaging"; Align-GVGD: "Class C0"). This variant has not been reported in the literature in individuals with BAP1-related disease. This variant is not present in population databases (ExAC no frequency). This sequence change replaces alanine with aspartic acid at codon 641 of the BAP1 protein (p.Ala641Asp). The alanine residue is highly conserved and there is a moderate physicochemical difference between alanine and aspartic acid.